The following is an entry in ClinVar:

ClinVar aggregate classification (germline): Pathogenic (1 of 4 stars; one submission).

Submission:

Labcorp Genetics (formerly Invitae), Labcorp
Classification: Pathogenic. Last evaluated: 2023-01-13. Review status: criteria provided, single submitter. Criteria: Invitae Variant Classification Sherloc (09022015). Collection method: clinical testing. Allele origin: germline.
Comment: This sequence change creates a premature translational stop signal (p.Pro1119Leufs*6) in the MYO15A gene. It is expected to result in an absent or disrupted protein product. Loss-of-function variants in MYO15A are known to be pathogenic (PMID: 17546645). This variant is present in population databases (no rsID available, gnomAD 0.0009%). This variant has not been reported in the literature in individuals affected with MYO15A-related conditions. For these reasons, this variant has been classified as Pathogenic.

Literature cited by the submitters: PubMed 17546645.

NM_016239.4(MYO15A):c.3356del (p.Pro1119fs)

Gene: MYO15A (myosin XVA; plus strand). Cytogenetic location: 17p11.2.
Variant type: Deletion.
Coding change: c.3356del on transcript NM_016239.4 (MANE Select); coding-DNA position 3356, one base deleted (C; older notation c.3356delC).
Protein change: p.Pro1119fs; shifts the reading frame from proline 1119.
Molecular consequence: frameshift variant.
Genome position (GRCh38, 1-based): chr17:18,122,156, C deleted; the last of 2 consecutive C bases (chr17:18,122,155-18,122,156); deleting either gives the same sequence. VCF-style (leftmost placement, unchanged base first): chr17-18122154-GC-G. GRCh37 (hg19) VCF-style: chr17-18025468-GC-G.
Other names: short protein forms P1119fs.
Identifiers: ClinVar variation 2828110 (VCV002828110.3), dbSNP rs1312117773, ClinGen allele CA625315066.